The following is an entry in ClinVar:

NM_001001433.3(STX16):c.958G>A (p.Val320Ile)

Genes: STX16 (syntaxin 16; plus strand), STX16-NPEPL1 (STX16-NPEPL1 readthrough (NMD candidate); plus strand). Cytogenetic location: 20q13.32.
Variant type: single nucleotide variant.
Coding change: c.958G>A on transcript NM_001001433.3 (MANE Select); coding-DNA position 958, G replaced by A.
Protein change: p.Val320Ile; replaces valine 320 with isoleucine.
Molecular consequence: missense variant. On other transcripts: non-coding transcript variant (3).
Genome position (GRCh38, 1-based): chr20:58,676,271, G>A. VCF-style: chr20-58676271-G-A. GRCh37 (hg19) VCF-style: chr20-57251327-G-A.
Other names: c.946G>A, p.Val316Ile (NM_001134772.3); c.907G>A, p.Val303Ile (NM_001134773.3); c.799G>A, p.Val267Ile (NM_001204868.2); c.895G>A, p.Val299Ile (NM_003763.6); c.958G>A (NM_001001433.2); short protein forms V303I, V267I, V299I, V316I, V320I.
Identifiers: ClinVar variation 2155194 (VCV002155194.8), dbSNP rs775032938, ClinGen allele CA9925492.

ClinVar aggregate classification (germline): Uncertain significance. Review status: criteria provided, multiple submitters, no conflicts (2 of 4 stars). 3 submissions from 3 submitters: Uncertain significance (3). Last evaluated 2025-08-09.

Conditions:
Inborn genetic diseases. Identifiers: MedGen C0950123, MeSH D030342.
Pseudohypoparathyroidism type 1B (PHP1B). Also called: PHP IB; Pseudohypoparathyroidism Ib (PHP-Ib); Pseudohypoparathyroidism Type IB. Identifiers: Orphanet 94089, MedGen C1864100, MONDO:0011301, OMIM 603233.

Allele frequency attached by ClinVar (database versions not stated): ExAC 0.00001; gnomAD 0.00001.
gnomAD v4.1: 4 of 1,614,034 alleles (0.00025%); highest among the groups gnomAD compares: South Asian, 0.0022%; no homozygotes.

Submissions (3):

Ambry Genetics
Classification: Uncertain significance for Inborn genetic diseases. Last evaluated: 2025-08-09. Review status: criteria provided, single submitter. Criteria: Ambry Variant Classification Scheme 2023. Collection method: clinical testing. Allele origin: germline.

Fulgent Genetics
Classification: Uncertain significance for Pseudohypoparathyroidism type 1B. Last evaluated: 2024-02-01. Review status: criteria provided, single submitter. Criteria: ACMG Guidelines, 2015. Collection method: clinical testing. Allele origin: germline.

Labcorp Genetics (formerly Invitae), Labcorp
Classification: Uncertain significance. Last evaluated: 2022-08-20. Review status: criteria provided, single submitter. Criteria: Invitae Variant Classification Sherloc (09022015). Collection method: clinical testing. Allele origin: germline.
Comment: Algorithms developed to predict the effect of missense changes on protein structure and function output the following: SIFT: "Tolerated"; PolyPhen-2: "Benign"; Align-GVGD: "Class C0". The isoleucine amino acid residue is found in multiple mammalian species, which suggests that this missense change does not adversely affect protein function. This variant has not been reported in the literature in individuals affected with STX16-related conditions. This variant is present in population databases (rs775032938, gnomAD 0.003%). This sequence change replaces valine, which is neutral and non-polar, with isoleucine, which is neutral and non-polar, at codon 320 of the STX16 protein (p.Val320Ile). In summary, the available evidence is currently insufficient to determine the role of this variant in disease. Therefore, it has been classified as a Variant of Uncertain Significance.